The following is an entry in ClinVar:

ClinVar aggregate classification (germline): Uncertain significance (1 of 4 stars; one submission).

Conditions:
Marfan syndrome (MFS). Also called: MARFAN SYNDROME, TYPE I; Marfan syndrome type 1; Marfan's syndrome; FBN1-Related Marfan Syndrome; Marfan syndrome, classic. Identifiers: Orphanet 284963, Orphanet 558, MedGen C0024796, MONDO:0007947, OMIM 154700.

Submission:

All of Us Research Program, National Institutes of Health
Classification: Uncertain significance for Marfan syndrome. Last evaluated: 2024-04-25. Review status: criteria provided, single submitter. Criteria: ACMG Guidelines, 2015. Collection method: clinical testing. Allele origin: germline. Inheritance: Autosomal dominant inheritance. Observed: 1 variant allele, 1 heterozygote.
Comment: This missense variant replaces asparagine with lysine at codon 2008 of the FBN1 protein. Computational prediction suggests that this variant may not impact protein structure and function (internally defined REVEL score threshold <= 0.5, PMID: 27666373). To our knowledge, functional studies have not been reported for this variant. This variant has not been reported in individuals affected with FBN1-related disorders in the literature. This variant has not been identified in the general population by the Genome Aggregation Database (gnomAD). The available evidence is insufficient to determine the role of this variant in disease conclusively. Therefore, this variant is classified as a Variant of Uncertain Significance.

This study involves interpretation of variants in research participants for the purpose of population health screening. Participant phenotype was not available at the time of variant classification. Additional details can be found in publication PMID: 35346344, PMCID: PMC8962531

NM_000138.5(FBN1):c.6024T>G (p.Asn2008Lys)

Gene: FBN1 (fibrillin 1; minus strand). Cytogenetic location: 15q21.1.
Variant type: single nucleotide variant.
Coding change: c.6024T>G on transcript NM_000138.5 (MANE Select); coding-DNA position 6024, T replaced by G.
Protein change: p.Asn2008Lys; replaces asparagine 2008 with lysine.
Molecular consequence: missense variant.
Genome position (GRCh38, 1-based): chr15:48,444,554, A>C on the plus strand (T>G on the coding strand, the complement: FBN1 is on the minus strand). VCF-style: chr15-48444554-A-C. GRCh37 (hg19) VCF-style: chr15-48736751-A-C.
Other names: c.6024T>G, p.Asn2008Lys (NM_001406716.1); short protein forms N2008K.
Identifiers: ClinVar variation 3386777 (VCV003386777.1).